The following is an entry in ClinVar:

NM_003183.6(ADAM17):c.944A>G (p.Lys315Arg)

Gene: ADAM17 (ADAM metallopeptidase domain 17; minus strand). Cytogenetic location: 2p25.1.
Variant type: single nucleotide variant.
Coding change: c.944A>G on transcript NM_003183.6 (MANE Select); coding-DNA position 944, A replaced by G.
Protein change: p.Lys315Arg; replaces lysine 315 with arginine.
Molecular consequence: missense variant.
Genome position (GRCh38, 1-based): chr2:9,521,216, T>C on the plus strand (A>G on the coding strand, the complement: ADAM17 is on the minus strand). VCF-style: chr2-9521216-T-C. GRCh37 (hg19) VCF-style: chr2-9661345-T-C.
Other names: c.944A>G (NM_003183.4); short protein forms K315R.
Identifiers: ClinVar variation 861326 (VCV000861326.10), dbSNP rs1664294967, ClinGen allele CA345781195.

ClinVar aggregate classification (germline): Uncertain significance. Review status: criteria provided, multiple submitters, no conflicts (2 of 4 stars). 2 submissions from 2 submitters: Uncertain significance (2). Last evaluated 2024-03-02.

Conditions:
Inborn genetic diseases. Identifiers: MedGen C0950123, MeSH D030342.
Inflammatory skin and bowel disease, neonatal, 1. Identifiers: Orphanet 294023, MedGen C3280501, MONDO:0013693, OMIM 614328.

Allele frequency attached by ClinVar (database versions not stated): gnomAD exomes below 0.00001; gnomAD 0.00001; TOPMed 0.00001.
gnomAD v4.1: 4 of 1,605,294 alleles (0.00025%); highest among the groups gnomAD compares: Admixed American, 0.0017%; no homozygotes.

Submissions (2):

Labcorp Genetics (formerly Invitae), Labcorp
Classification: Uncertain significance for Inflammatory skin and bowel disease, neonatal, 1. Last evaluated: 2024-03-02. Review status: criteria provided, single submitter. Criteria: Invitae Variant Classification Sherloc (09022015). Collection method: clinical testing. Allele origin: germline.
Comment: This sequence change replaces lysine, which is basic and polar, with arginine, which is basic and polar, at codon 315 of the ADAM17 protein (p.Lys315Arg). This variant is not present in population databases (gnomAD no frequency). This variant has not been reported in the literature in individuals affected with ADAM17-related conditions. ClinVar contains an entry for this variant (Variation ID: 861326). An algorithm developed to predict the effect of missense changes on protein structure and function (PolyPhen-2) suggests that this variant is likely to be disruptive. In summary, the available evidence is currently insufficient to determine the role of this variant in disease. Therefore, it has been classified as a Variant of Uncertain Significance.

Ambry Genetics
Classification: Uncertain significance for Inborn genetic diseases. Last evaluated: 2023-12-08. Review status: criteria provided, single submitter. Criteria: Ambry Variant Classification Scheme 2023. Collection method: clinical testing. Allele origin: germline.